The following is an entry in ClinVar:

ClinVar aggregate classification (germline): Uncertain significance (1 of 4 stars; one submission).

Conditions:
Alpha-methylacyl-CoA racemase deficiency (AMACRD). Also called: AMACR deficiency. Identifiers: Orphanet 79095, MedGen C3280428, MONDO:0013681, OMIM 614307. Disease mechanism: loss of function.

gnomAD v4.1: 2 of 1,614,190 alleles (0.00012%); highest among the groups gnomAD compares: Admixed American, 0.0033%; no homozygotes.

Submission:

Labcorp Genetics (formerly Invitae), Labcorp
Classification: Uncertain significance for Alpha-methylacyl-CoA racemase deficiency. Last evaluated: 2024-01-08. Review status: criteria provided, single submitter. Criteria: Invitae Variant Classification Sherloc (09022015). Collection method: clinical testing. Allele origin: germline.
Comment: This sequence change replaces lysine, which is basic and polar, with threonine, which is neutral and polar, at codon 268 of the AMACR protein (p.Lys268Thr). This variant is present in population databases (rs151086469, gnomAD 0.006%). This variant has not been reported in the literature in individuals affected with AMACR-related conditions. ClinVar contains an entry for this variant (Variation ID: 2152458). Advanced modeling of protein sequence and biophysical properties (such as structural, functional, and spatial information, amino acid conservation, physicochemical variation, residue mobility, and thermodynamic stability) performed at Invitae indicates that this missense variant is not expected to disrupt AMACR protein function with a negative predictive value of 80%. In summary, the available evidence is currently insufficient to determine the role of this variant in disease. Therefore, it has been classified as a Variant of Uncertain Significance.

NM_014324.6(AMACR):c.803A>C (p.Lys268Thr)

Genes: C1QTNF3-AMACR (C1QTNF3-AMACR readthrough (NMD candidate); minus strand), AMACR (alpha-methylacyl-CoA racemase; minus strand). Cytogenetic location: 5p13.2.
Variant type: single nucleotide variant.
Coding change: c.803A>C on transcript NM_014324.6 (MANE Select); coding-DNA position 803, A replaced by C.
Protein change: p.Lys268Thr; replaces lysine 268 with threonine.
Molecular consequence: missense variant. On other transcripts: non-coding transcript variant (1), 3 prime UTR variant (1).
Genome position (GRCh38, 1-based): chr5:33,989,439, T>G on the plus strand (A>C on the coding strand, the complement: AMACR is on the minus strand). VCF-style: chr5-33989439-T-G. GRCh37 (hg19) VCF-style: chr5-33989544-T-G.
Other names: c.803A>C, p.Lys268Thr (NM_001167595.2); c.*45A>C (NM_203382.3); short protein forms K268T.
Identifiers: ClinVar variation 2152458 (VCV002152458.2), dbSNP rs151086469, ClinGen allele CA3226020.